The following is an entry in ClinVar:

ClinVar aggregate classification (germline): Uncertain significance (1 of 4 stars; one submission).

Conditions:
Myopathy, proximal, and ophthalmoplegia (CMYO6). Also called: MYOPATHY WITH CONGENITAL JOINT CONTRACTURES, OPHTHALMOPLEGIA, AND RIMMED VACUOLES; INCLUSION BODY MYOPATHY 3, AUTOSOMAL DOMINANT; CONGENITAL MYOPATHY 6 WITH OPHTHALMOPLEGIA. Identifiers: Orphanet 363677, Orphanet 79091, MedGen C1854106, MONDO:0011577, OMIM 605637.

Submission:

Labcorp Genetics (formerly Invitae), Labcorp
Classification: Uncertain significance for Myopathy, proximal, and ophthalmoplegia. Last evaluated: 2022-07-22. Review status: criteria provided, single submitter. Criteria: Invitae Variant Classification Sherloc (09022015). Collection method: clinical testing. Allele origin: germline.
Comment: This sequence change replaces glutamic acid, which is acidic and polar, with glutamine, which is neutral and polar, at codon 854 of the MYH2 protein (p.Glu854Gln). This variant is not present in population databases (gnomAD no frequency). This variant has not been reported in the literature in individuals affected with MYH2-related conditions. Algorithms developed to predict the effect of missense changes on protein structure and function (SIFT, PolyPhen-2, Align-GVGD) all suggest that this variant is likely to be disruptive. In summary, the available evidence is currently insufficient to determine the role of this variant in disease. Therefore, it has been classified as a Variant of Uncertain Significance.

NM_017534.6(MYH2):c.2560G>C (p.Glu854Gln)

Genes: MYH2 (myosin heavy chain 2; minus strand), MYHAS (myosin heavy chain gene cluster antisense RNA; plus strand). Cytogenetic location: 17p13.1.
Variant type: single nucleotide variant.
Coding change: c.2560G>C on transcript NM_017534.6 (MANE Select); coding-DNA position 2560, G replaced by C.
Protein change: p.Glu854Gln; replaces glutamic acid 854 with glutamine.
Molecular consequence: missense variant.
Genome position (GRCh38, 1-based): chr17:10,531,770, C>G on the plus strand (G>C on the coding strand, the complement: MYH2 is on the minus strand). VCF-style: chr17-10531770-C-G. GRCh37 (hg19) VCF-style: chr17-10435087-C-G.
Other names: c.2560G>C, p.Glu854Gln (NM_001100112.2); short protein forms E854Q.
Identifiers: ClinVar variation 1722254 (VCV001722254.6), dbSNP rs2508437699, ClinGen allele CA398145898.